The following is an entry in ClinVar:

NM_001042492.3(NF1):c.77G>A (p.Gly26Glu)

Gene: NF1 (neurofibromin 1; plus strand). Cytogenetic location: 17q11.2.
Variant type: single nucleotide variant.
Coding change: c.77G>A on transcript NM_001042492.3 (MANE Select); coding-DNA position 77, G replaced by A.
Protein change: p.Gly26Glu; replaces glycine 26 with glutamic acid.
Molecular consequence: missense variant.
Genome position (GRCh38, 1-based): chr17:31,155,999, G>A. VCF-style: chr17-31155999-G-A. GRCh37 (hg19) VCF-style: chr17-29483017-G-A.
Other names: c.77G>A, p.Gly26Glu (NM_000267.4, NM_001128147.3); short protein forms G26E.
Identifiers: ClinVar variation 1423569 (VCV001423569.8), dbSNP rs2143625375, ClinGen allele CA398988113.
Genomic context (GRCh38, chr17:31,155,999, plus strand): 5'-TAAGGATAAGCTGTTAACGTGTTTTTTTTTTCTTTTTTTTTCAGCTTCCAATAAAAACAG[G>A]ACAGCAGAACACACATACCAAAGTCAGTACTGAGCACAACAAGGAATGTCTAATCAATAT-3'
Protein context (NP_001035957.1, residues 16-36): RFDEQLPIKT[Gly26Glu]QQNTHTKVST

ClinVar aggregate classification (germline): Uncertain significance (1 of 4 stars; one submission).

Conditions:
Neurofibromatosis, type 1 (NF1). Also called: VON RECKLINGHAUSEN DISEASE; NEUROFIBROMATOSIS, TYPE I, SOMATIC; Neurofibromatosis, type I; Peripheral type neurofibromatosis. Identifiers: Orphanet 636, MedGen C0027831, MONDO:0018975, OMIM 162200. Disease mechanism: loss of function.

Submission:

Labcorp Genetics (formerly Invitae), Labcorp
Classification: Uncertain significance for Neurofibromatosis, type 1. Last evaluated: 2024-08-05. Review status: criteria provided, single submitter. Criteria: Invitae Variant Classification Sherloc (09022015). Collection method: clinical testing. Allele origin: germline.
Comment: This sequence change replaces glycine, which is neutral and non-polar, with glutamic acid, which is acidic and polar, at codon 26 of the NF1 protein (p.Gly26Glu). This variant is not present in population databases (gnomAD no frequency). This variant has not been reported in the literature in individuals affected with NF1-related conditions. ClinVar contains an entry for this variant (Variation ID: 1423569). Advanced modeling of protein sequence and biophysical properties (such as structural, functional, and spatial information, amino acid conservation, physicochemical variation, residue mobility, and thermodynamic stability) performed at Invitae indicates that this missense variant is expected to disrupt NF1 protein function with a positive predictive value of 95%. In summary, the available evidence is currently insufficient to determine the role of this variant in disease. Therefore, it has been classified as a Variant of Uncertain Significance.